The following is an entry in ClinVar:

NM_004612.4(TGFBR1):c.847_849del (p.His283del)

Gene: TGFBR1 (transforming growth factor beta receptor 1; plus strand). Cytogenetic location: 9q22.33.
Variant type: Deletion.
Coding change: c.847_849del on transcript NM_004612.4 (MANE Select); coding-DNA positions 847 to 849, 3 bases deleted (CAT; older notation c.847_849delCAT).
Protein change: p.His283del; deletes histidine 283.
Molecular consequence: inframe deletion.
Genome position (GRCh38, 1-based): chr9:99,142,577-99,142,579, CAT deleted; deleting any 3 consecutive bases within chr9:99,142,575-99,142,579 gives the same sequence; the c. name uses the placement nearest the transcript's 3' end. VCF-style (leftmost placement, unchanged base first): chr9-99142574-TATC-T. GRCh37 (hg19) VCF-style: chr9-101904856-TATC-T.
Other names: c.847_849delCAT (NM_004612.3); c.616_618del, p.His206del (NM_001130916.3); c.859_861del, p.His287del (NM_001306210.2); short protein forms H283del, H287del, H206del.
Identifiers: ClinVar variation 636866 (VCV000636866.6), dbSNP rs1588590301, ClinGen allele CA915947111.
Genomic context (GRCh38, chr9:99,142,574, plus strand): 5'-AAATGTTAATTCTGTTTTACAGACAATGGTACTTGGACTCAGCTCTGGTTGGTGTCAGAT[TATC>T]ATGAGCATGGATCCCTTTTTGATTACTTAAACAGATACACAGTTACTGTGGAAGGAATGA-3'

ClinVar aggregate classification (germline): Uncertain significance. Review status: criteria provided, multiple submitters, no conflicts (2 of 4 stars). 3 submissions from 3 submitters: Uncertain significance (3). Last evaluated 2022-09-08.

Conditions:
Loeys-Dietz syndrome 1 (LDS1). Also called: FURLONG SYNDROME; TGFBR1-Related Loeys-Dietz Syndrome; AORTIC ANEURYSM, FAMILIAL THORACIC 5. Identifiers: Orphanet 60030, MedGen C4551955, MONDO:0012212, OMIM 609192.
Familial thoracic aortic aneurysm and aortic dissection (TAAD). Also called: Thoracic aortic aneurysms and dissections. Identifiers: Orphanet 91387, MedGen C4707243, MONDO:0019625.

Submissions (3):

Ambry Genetics
Classification: Uncertain significance for Familial thoracic aortic aneurysm and aortic dissection. Last evaluated: 2022-09-08. Review status: criteria provided, single submitter. Criteria: Ambry Variant Classification Scheme 2023. Collection method: clinical testing. Allele origin: germline.
Comment: The c.847_849delCAT variant (also known as p.H283del) is located in coding exon 5 of the TGFBR1 gene. This variant results from an in-frame CAT deletion at nucleotide positions 847 to 849. This results in the in-frame deletion of a histidine at codon 283. This amino acid position is highly conserved in available vertebrate species. Since supporting evidence is limited at this time, the clinical significance of this alteration remains unclear.

Molecular Diagnostic Laboratory for Inherited Cardiovascular Disease, Montreal Heart Institute
Classification: Uncertain significance for Loeys-Dietz syndrome 1. Last evaluated: 2019-06-25. Review status: criteria provided, single submitter. Criteria: ACMG Guidelines, 2015. Collection method: clinical testing. Allele origin: germline. Affected: yes.

Blueprint Genetics
Classification: Uncertain significance. Last evaluated: 2018-11-26. Review status: criteria provided, single submitter. Criteria: ACMG Guidelines, 2015. Collection method: clinical testing. Allele origin: germline.